The following is an entry in ClinVar:

ClinVar aggregate classification (germline): Uncertain significance (1 of 4 stars; one submission).

Submission:

GeneDx
Classification: Uncertain significance. Last evaluated: 2025-01-30. Review status: criteria provided, single submitter. Criteria: GeneDx Variant Classification Process June 2021. Collection method: clinical testing. Allele origin: germline. Affected: yes.
Comment: Not observed at significant frequency in large population cohorts (gnomAD); In silico analysis supports that this missense variant has a deleterious effect on protein structure/function; Has not been previously published as pathogenic or benign to our knowledge

NM_030773.4(TUBB1):c.1192T>A (p.Tyr398Asn)

Gene: TUBB1 (tubulin beta 1 class VI; plus strand). Cytogenetic location: 20q13.32.
Variant type: single nucleotide variant.
Coding change: c.1192T>A on transcript NM_030773.4 (MANE Select); coding-DNA position 1192, T replaced by A.
Protein change: p.Tyr398Asn; replaces tyrosine 398 with asparagine.
Molecular consequence: missense variant.
Genome position (GRCh38, 1-based): chr20:59,024,619, T>A. VCF-style: chr20-59024619-T-A. GRCh37 (hg19) VCF-style: chr20-57599674-T-A.
Other names: short protein forms Y398N.
Identifiers: ClinVar variation 4074469 (VCV004074469.1).